The following is an entry in ClinVar:

NM_004407.4(DMP1):c.424G>T (p.Asp142Tyr)

Genes: DMP1 (dentin matrix acidic phosphoprotein 1; plus strand), DMP1-AS1 (DMP1 and DSPP antisense RNA 1; minus strand). Cytogenetic location: 4q22.1.
Variant type: single nucleotide variant.
Coding change: c.424G>T on transcript NM_004407.4 (MANE Select); coding-DNA position 424, G replaced by T.
Protein change: p.Asp142Tyr; replaces aspartic acid 142 with tyrosine.
Molecular consequence: missense variant.
Genome position (GRCh38, 1-based): chr4:87,662,202, G>T. VCF-style: chr4-87662202-G-T. GRCh37 (hg19) VCF-style: chr4-88583354-G-T.
Other names: c.376G>T, p.Asp126Tyr (NM_001079911.3); short protein forms D126Y, D142Y.
Identifiers: ClinVar variation 2081480 (VCV002081480.3), dbSNP rs201761802, ClinGen allele CA3002030.

ClinVar aggregate classification (germline): Conflicting classifications of pathogenicity. Review status: criteria provided, conflicting classifications (1 of 4 stars). 3 submissions from 3 submitters: Uncertain significance (2); Likely benign (1). Last evaluated 2024-09-20.

Conditions:
Hypophosphatemic rickets, autosomal recessive, 1 (ARHR1). Also called: HYPOPHOSPHATEMIA, AUTOSOMAL RECESSIVE. Identifiers: Orphanet 289176, MedGen C4551495, MONDO:0009430, OMIM 241520. Disease mechanism: loss of function.

Allele frequency attached by ClinVar (database versions not stated): TOPMed below 0.00001; gnomAD exomes 0.00002; ExAC 0.00007; gnomAD 0.00011; 1000 Genomes Project 30x 0.00141; 1000 Genomes Project 0.00160.
gnomAD v4.1: 51 of 1,614,192 alleles (0.0032%); highest among the groups gnomAD compares: East Asian, 0.087%; no homozygotes.

Submissions (3):

3billion
Classification: Likely benign for Hypophosphatemic rickets, autosomal recessive, 1. Last evaluated: 2024-09-20. Review status: criteria provided, single submitter. Criteria: ACMG Guidelines, 2015. Collection method: clinical testing. Allele origin: germline. Affected: no.
Comment: The homozygous variant was found in patients diagnosed with another variant in a different gene, with no symptoms related to the gene containing the homozygous variant.

Fulgent Genetics
Classification: Uncertain significance for Hypophosphatemic rickets, autosomal recessive, 1. Last evaluated: 2024-02-03. Review status: criteria provided, single submitter. Criteria: ACMG Guidelines, 2015. Collection method: clinical testing. Allele origin: germline.

Labcorp Genetics (formerly Invitae), Labcorp
Classification: Uncertain significance. Last evaluated: 2022-07-31. Review status: criteria provided, single submitter. Criteria: Invitae Variant Classification Sherloc (09022015). Collection method: clinical testing. Allele origin: germline.
Comment: This sequence change replaces aspartic acid, which is acidic and polar, with tyrosine, which is neutral and polar, at codon 142 of the DMP1 protein (p.Asp142Tyr). This variant is present in population databases (rs201761802, gnomAD 0.08%). This variant has not been reported in the literature in individuals affected with DMP1-related conditions. Algorithms developed to predict the effect of missense changes on protein structure and function are either unavailable or do not agree on the potential impact of this missense change (SIFT: "Deleterious"; PolyPhen-2: "Probably Damaging"; Align-GVGD: "Class C0"). In summary, the available evidence is currently insufficient to determine the role of this variant in disease. Therefore, it has been classified as a Variant of Uncertain Significance.